The following is an entry in ClinVar:

NM_002834.5(PTPN11):c.173A>G (p.Asn58Ser)

Gene: PTPN11 (protein tyrosine phosphatase non-receptor type 11; plus strand). Cytogenetic location: 12q24.13.
Variant type: single nucleotide variant.
Coding change: c.173A>G on transcript NM_002834.5 (MANE Select); coding-DNA position 173, A replaced by G.
Protein change: p.Asn58Ser; replaces asparagine 58 with serine.
Molecular consequence: missense variant.
Genome position (GRCh38, 1-based): chr12:112,450,353, A>G. VCF-style: chr12-112450353-A-G. GRCh37 (hg19) VCF-style: chr12-112888157-A-G.
Other names: c.173A>G (NM_002834.4); c.173A>G, p.Asn58Ser (NM_001330437.2, NM_080601.3); c.170A>G, p.Asn57Ser (NM_001374625.1); short protein forms N58S, N57S.
Identifiers: ClinVar variation 372483 (VCV000372483.45), dbSNP rs751437780, ClinGen allele CA6798530.

ClinVar aggregate classification (germline): Conflicting classifications of pathogenicity. Review status: criteria provided, conflicting classifications (1 of 4 stars). 14 submissions from 14 submitters: Likely pathogenic (1); Uncertain significance (10). 3 of the submissions do not count toward it. Last evaluated 2026-10-01.

Conditions:
PTPN11-related disorder. Also called: PTPN11-Related Disorders.
Cardiovascular phenotype. Identifiers: MedGen CN230736.
RASopathy. Also called: rasopathies; Noonan spectrum disorder. Identifiers: Orphanet 536391, MedGen C5555857, MONDO:0021060.
LEOPARD syndrome 1 (LPRD1). Also called: PTPN11-Related LEOPARD Syndrome; LENTIGINOSIS, CARDIOMYOPATHIC; MULTIPLE LENTIGINES SYNDROME. Identifiers: Orphanet 500, MedGen C4551484, MONDO:0100082, OMIM 151100.
Metachondromatosis (METCDS). Identifiers: Orphanet 2499, MedGen C0410530, MONDO:0007979, OMIM 156250.
Noonan syndrome 1 (NS1). Also called: PTPN11-Related Noonan Syndrome; FEMALE PSEUDO-TURNER SYNDROME; TURNER PHENOTYPE WITH NORMAL KARYOTYPE. Identifiers: Orphanet 648, MedGen C4551602, MONDO:0008104, OMIM 163950. Disease mechanism: gain of function.
Juvenile myelomonocytic leukemia (JMML). Also called: LEUKEMIA, JUVENILE MYELOMONOCYTIC, SOMATIC. Identifiers: Orphanet 86834, MedGen C0349639, MONDO:0011908, OMIM 607785, HP:0012209.

Allele frequency attached by ClinVar (database versions not stated): ExAC 0.00002; gnomAD 0.00003 and 0.00004; TOPMed 0.00003; gnomAD exomes 0.00004 and 0.00007.
gnomAD v4.1: 103 of 1,613,116 alleles (0.0064%); highest among the groups gnomAD compares: Middle Eastern, 0.016%; no homozygotes.

Submissions 1 to 10 of 14:

St. Jude Molecular Pathology, St. Jude Children's Research Hospital
Classification: Uncertain significance for Noonan syndrome 1. Last evaluated: 2026-10-01. Review status: criteria provided, single submitter. Criteria: St. Jude Assertion Criteria 2020. Collection method: clinical testing. Allele origin: germline.
Comment: The PTPN11 c.173A>G p.(Asn58Ser) missense change has a maximum subpopulation frequency of 0.008% in gnomAD v2.1.1. This variant occurs in a gene where missense variants are a comm on mechanism of disease. The in silico tool REVEL is inconclusive about a pathogenic or benign effect of this variant on protein function, and to our knowledge functional studies have not been performed. This variant has been reported in one individual w ith Noonan syndrome (PMID: 26855057) and individuals with Noonan syndrome -like features undergoing testing (PMID: 36349709, 29907801). Other missense variants at this residue have been reported pathogenic or likely pathog...

Labcorp Genetics (formerly Invitae), Labcorp
Classification: Uncertain significance for RASopathy. Last evaluated: 2025-12-31. Review status: criteria provided, single submitter. Criteria: Invitae Variant Classification Sherloc (09022015). Collection method: clinical testing. Allele origin: germline.
Comment: This sequence change replaces asparagine, which is neutral and polar, with serine, which is neutral and polar, at codon 58 of the PTPN11 protein (p.Asn58Ser). This variant is present in population databases (rs751437780, gnomAD 0.008%). This missense change has been observed in individual(s) with clinical features of PTPN11-related conditions (PMID: 29907801, 33850299). ClinVar contains an entry for this variant (Variation ID: 372483). Invitae Evidence Modeling of protein sequence and biophysical properties (such as structural, functional, and spatial information, amino acid conservation, physicochemical variation, residue mobility, and thermodynamic stability) has been performed for this missense variant. However, the output from this modeling did not meet the statistical confidence thresholds required to predict the impact of this variant on PTPN11 protein function. This variant disrupts the p.Asn58 amino acid residue in PTPN11. Other variant(s) that disrupt this residue have been determined to be pathogenic (PMID: 15956085, 16263833, 16804314, 19125092, 25914815). This suggests that this residue is clinically significant, and that variants that disrupt this residue are likely to be disease-causing. In summary, the available evidence is currently insufficient to determine the role of this variant in disease. Therefore, it has been classified as a Variant of Uncertain Significance.

PreventionGenetics, part of Exact Sciences
Classification: Uncertain significance for PTPN11-related condition. Last evaluated: 2025-09-16. Review status: criteria provided, single submitter. Criteria: ACMG Guidelines, 2015. Collection method: clinical testing. Allele origin: germline.
Comment: The PTPN11 c.173A>G variant is predicted to result in the amino acid substitution p.Asn58Ser. This variant has been reported in a fetus with a thickened nuchal fold visible on prenatal ultrasound (Table S2, Leach et al. 2019. PubMed ID: 29907801), but, to our knowledge, it has not been reported in the literature in an individual with a clinical diagnosis of Noonan syndrome or an NS-related disorder. This variant has also been reported as a heterozygous germline variant in two individuals with acute lymphoblastic leukemia (ALL; Case et al. 2008. PubMed ID: 18701506; Table S3, Junk et al. 2024. PubMed ID: 38413718) and one individual with history of non-Hodgkin lymphoma and melanoma (Singhal et al. 2021. PubMed ID: 33850299). Several alternate missense variants of the same amino acid (p.Asn58His, p.Asn58Asp, p.Asn58Lys) have been reported as pathogenic in individuals with Noonan syndrome (ClinVar IDs: 40486, 40487, 40488, 40489). However, this variant has also been reported in 10 out of ~282,000 alleles in the gnomAD v2 database (as displayed in the table above). In addition, in gnomAD v4 (available only on GRCh38), this variant is reported in 103 out of ~1,613,000 alleles. This variant is classified as a variant of uncertain significance by the majority of ClinVar submitters (Variation ID: 372483). Taken together, the clinical significance of the p.Asn58Ser variant is uncertain at this time due to the absence of conclusive functional and genetic evidence.

Ambry Genetics
Classification: Uncertain significance for Cardiovascular phenotype. Last evaluated: 2024-08-12. Review status: criteria provided, single submitter. Criteria: Ambry Variant Classification Scheme 2023. Collection method: clinical testing. Allele origin: germline.
Comment: The p.N58S variant (also known as c.173A>G), located in coding exon 3 of the PTPN11 gene, results from an A to G substitution at nucleotide position 173. The asparagine at codon 58 is replaced by serine, an amino acid with highly similar properties. This variant has been detected in a case with thickened nuchal fold, and in somatic and germline samples from individuals with cancer diagnoses; however, Noonan syndrome features were not described (Bentires-Alj M et al. Cancer Res, 2004 Dec;64:8816-20; Case M et al. Cancer Res, 2008 Aug;68:6803-9; Radtke I et al. Proc Natl Acad Sci U S A, 2009 Aug;106:12944-9; Ryan SL et al. Leukemia, 2016 Sep;30:1824-31; Huang KL et al. Cell, 2018 Apr;173:355-370.e14; Leach NT et al. Genet Med, 2019 Feb;21:417-425; Singhal D et al. Leukemia, 2021 Nov;35:3245-3256; Junk SV et al. Leukemia, 2024 Apr;38:887-892). Another variant at the same codon, p.N58D (c.172A>G), has been reported in association with Noonan syndrome (Tartaglia M et al. Am. J. Hum. Genet., 2006 Feb;78:279-90). This amino acid position is highly conserved in available vertebrate species. In addition, the in silico prediction for this alteration is inconclusive. Since supporting evidence is limited at this time, the clinical significance of this alteration remains unclear.

Fulgent Genetics
Classification: Uncertain significance for LEOPARD syndrome 1; Metachondromatosis; Noonan syndrome 1; Juvenile myelomonocytic leukemia. Last evaluated: 2024-03-08. Review status: criteria provided, single submitter. Criteria: ACMG Guidelines, 2015. Collection method: clinical testing. Allele origin: germline.

CeGaT Center for Human Genetics Tuebingen
Classification: Likely pathogenic. Last evaluated: 2024-02-01. Review status: criteria provided, single submitter. Criteria: CeGaT Center For Human Genetics Tuebingen Variant Classification Criteria Version 2. Collection method: clinical testing. Allele origin: germline. Affected: yes. Observed: 1 variant allele.
Comment: PTPN11: PM1, PM5, PP3, PP4

GeneDx
Classification: Uncertain significance. Last evaluated: 2023-05-19. Review status: criteria provided, single submitter. Criteria: GeneDx Variant Classification Process June 2021. Collection method: clinical testing. Allele origin: germline. Affected: yes.
Comment: Observed as a somatic variant in a lung cancer cell line (Bentires-Alj et al., 2004) and as a germline variant in an individual with childhood acute lymphoblastic leukemia (Case et al., 2008); In silico analysis supports that this missense variant has a deleterious effect on protein structure/function; Missense variants in this gene are often considered pathogenic (HGMD); This variant is associated with the following publications: (PMID: 25695693, 26214590, 15604238, 18701506, 23825065, 23957426, 24480804, 20579941, 27168466, 30050098, 11992261, 9491886, 16053901, 29493581, 35385746, 29625052, 29907801)

Blueprint Genetics
Classification: Uncertain significance. Last evaluated: 2022-09-02. Review status: criteria provided, single submitter. Criteria: ACMG Guidelines, 2015. Collection method: clinical testing. Allele origin: germline.

Institute for Genomic Medicine (IGM) Clinical Laboratory, Nationwide Children's Hospital
Classification: Uncertain significance for Noonan syndrome 1. Last evaluated: 2022-07-22. Review status: criteria provided, single submitter. Criteria: ACMG Guidelines, 2015. Collection method: clinical testing. Allele origin: germline.
Comment: This variant is located in a mutational hot spot and/or critical and well-established functional domain (ACMG/AMP: PM1). This variant occurs in a gene with a low rate of benign missense variation, in which missense alterations are a common mechanism of disease (ACMG/AMP: PP2). This variant is predicted to alter protein function or structure, or disrupt splicing by multiple in silico tools (ACMG/AMP: PP3).

Genetic Services Laboratory, University of Chicago
Classification: Uncertain significance. Last evaluated: 2019-02-22. Review status: criteria provided, single submitter. Criteria: ACMG Guidelines, 2015. Collection method: clinical testing. Allele origin: germline. Affected: no.